The following is an entry in ClinVar:

NM_006949.4(STXBP2):c.441C>T (p.Leu147=)

Gene: STXBP2 (syntaxin binding protein 2; plus strand). Cytogenetic location: 19p13.2.
Variant type: single nucleotide variant.
Coding change: c.441C>T on transcript NM_006949.4 (MANE Select); coding-DNA position 441, C replaced by T.
Protein change: p.Leu147=; no amino-acid change (leucine 147 retained).
Molecular consequence: synonymous variant. On other transcripts: non-coding transcript variant (1).
Genome position (GRCh38, 1-based): chr19:7,641,716, C>T. VCF-style: chr19-7641716-C-T. GRCh37 (hg19) VCF-style: chr19-7706602-C-T.
Other names: c.432C>T, p.Leu144= (NM_001127396.3); c.474C>T, p.Leu158= (NM_001272034.2); c.441C>T (NM_006949.3).
Identifiers: ClinVar variation 1582429 (VCV001582429.10), dbSNP rs749948057, ClinGen allele CA9143664.

ClinVar aggregate classification (germline): Likely benign. Review status: criteria provided, multiple submitters, no conflicts (2 of 4 stars). 3 submissions from 3 submitters: Likely benign (3). Last evaluated 2026-08-17.

Conditions:
STXBP2-related disorder. Also called: STXBP2-related condition.
Familial hemophagocytic lymphohistiocytosis 5. Also called: STXBP2-Related Familial Hemophagocytic Lymphohistiocytosis (STXBP2-fHLH). Identifiers: Orphanet 540, MedGen C2751293, MONDO:0013135, OMIM 613101.

Allele frequency attached by ClinVar (database versions not stated): gnomAD exomes 0.00002; TOPMed 0.00002.
gnomAD v4.1: 10 of 1,554,032 alleles (0.00064%); highest among the groups gnomAD compares: East Asian, 0.0024%; no homozygotes.

Submissions (3):

PreventionGenetics, part of Exact Sciences
Classification: Likely benign for STXBP2-related condition. Last evaluated: 2026-08-17. Review status: criteria provided, single submitter. Criteria: ACMG Guidelines, 2015. Collection method: clinical testing. Allele origin: germline.
Comment: This variant is classified as likely benign based on ACMG/AMP sequence variant interpretation guidelines (Richards et al. 2015 PMID: 25741868, with internal and published modifications).

Labcorp Genetics (formerly Invitae), Labcorp
Classification: Likely benign for Familial hemophagocytic lymphohistiocytosis 5. Last evaluated: 2025-04-21. Review status: criteria provided, single submitter. Criteria: Invitae Variant Classification Sherloc (09022015). Collection method: clinical testing. Allele origin: germline.

Blueprint Genetics
Classification: Likely benign. Last evaluated: 2024-05-28. Review status: criteria provided, single submitter. Criteria: ACMG Guidelines, 2015. Collection method: clinical testing. Allele origin: germline.